The following is an entry in ClinVar:

ClinVar aggregate classification (germline): Likely benign (1 of 4 stars; one submission).

gnomAD v4.1: 5 of 1,613,954 alleles (0.00031%); highest among the groups gnomAD compares: Admixed American, 0.0033%; no homozygotes.

Submission:

CeGaT Center for Human Genetics Tuebingen
Classification: Likely benign. Last evaluated: 2026-07-01. Review status: criteria provided, single submitter. Criteria: CeGaT Center For Human Genetics Tuebingen Variant Classification Criteria Version 2. Collection method: clinical testing. Allele origin: germline. Affected: yes. Observed: 1 variant allele.
Comment: RFX7: BP4, BP7

NM_022841.7(RFX7):c.3216T>C (p.Val1072=)

Gene: RFX7 (regulatory factor X7; minus strand). Cytogenetic location: 15q21.3.
Variant type: single nucleotide variant.
Coding change: c.3216T>C on transcript NM_022841.7 (MANE Select); coding-DNA position 3216, T replaced by C.
Protein change: p.Val1072=; no amino-acid change (valine 1072 retained).
Molecular consequence: synonymous variant.
Genome position (GRCh38, 1-based): chr15:56,094,512, A>G on the plus strand (T>C on the coding strand, the complement: RFX7 is on the minus strand). VCF-style: chr15-56094512-A-G. GRCh37 (hg19) VCF-style: chr15-56386710-A-G.
Other names: c.2925T>C, p.Val975= (NM_001368073.2, NM_001368074.1, NM_001370554.1); c.3216T>C, p.Val1072= (NM_001370561.1).
Identifiers: ClinVar variation 5039480 (VCV005039480.1).